The following is an entry in ClinVar:

ClinVar aggregate classification (germline): Uncertain significance. Review status: criteria provided, multiple submitters, no conflicts (2 of 4 stars). 2 submissions from 2 submitters: Uncertain significance (2). Last evaluated 2026-03-05.

Conditions:
Menkes kinky-hair syndrome (MNK). Also called: Copper transport disease; Menkes Disease; Classic Menkes Disease. Identifiers: Orphanet 565, MedGen C0022716, MONDO:0010651, OMIM 309400.

Allele frequency attached by ClinVar (database versions not stated): TOPMed below 0.00001; gnomAD 0.00001.
gnomAD v4.1: 1 of 110,754 alleles (0.0009%); highest among the groups gnomAD compares: Non-Finnish European, 0.0019%; no homozygotes.

Submissions (2):

Broad Center for Mendelian Genomics, Broad Institute of MIT and Harvard
Classification: Uncertain significance for Menkes kinky-hair syndrome. Last evaluated: 2026-03-05. Review status: criteria provided, single submitter. Criteria: ACMG Guidelines, 2015. Collection method: research. Allele origin: germline. Inheritance: X-linked inheritance. Study: GREGoR Consortium.
Comment: The c.1337-1745T>C variant in ATP7A has not been previously reported in individuals with ATP7A-related copper transport disorders but has been identified in 0.001% (1/52960) of European chromosomes by gnomAD. A computational prediction tool, SpliceAI, predicts that the c.1337-1745T>C variant leads to the incorporation of a 71nt exon, which would lead to a premature termination codon downstream. However, this information is not predictive enough to determine pathogenicity. In summary, the clinical significance of this variant is uncertain. ACMG/AMP Criteria applied: PP3, PM2_supporting.

Laboratory for Molecular Medicine, Mass General Brigham Personalized Medicine
Classification: Uncertain significance. Last evaluated: 2024-01-16. Review status: criteria provided, single submitter. Criteria: ACMG Guidelines, 2015. Collection method: clinical testing. Allele origin: germline.
Comment: the same text as in the submission from Broad Center for Mendelian Genomics, Broad Institute of MIT and Harvard above.

NM_000052.7(ATP7A):c.1337-1745T>C

Gene: ATP7A (ATPase copper transporting alpha; plus strand). Cytogenetic location: Xq21.1.
Variant type: single nucleotide variant.
Coding change: c.1337-1745T>C on transcript NM_000052.7 (MANE Select); 1745 bases into the intron before coding-DNA position 1337, T replaced by C.
Molecular consequence: intron variant.
Genome position (GRCh38, 1-based): chrX:77,996,733, T>C. VCF-style: chrX-77996733-T-C. GRCh37 (hg19) VCF-style: chrX-77252230-T-C.
Other names: NM_001282224.2:c.1337-1745T>C; c.1337-1745T>C (NM_001282224.2).
Identifiers: ClinVar variation 3075944 (VCV003075944.2), dbSNP rs782019261, ClinGen allele CA331090409.